The following is an entry in ClinVar:

ClinVar aggregate classification (germline): Uncertain significance (1 of 4 stars; one submission).

Conditions:
Cardiovascular phenotype. Identifiers: MedGen CN230736.

Submission:

Ambry Genetics
Classification: Uncertain significance for Cardiovascular phenotype. Last evaluated: 2022-12-02. Review status: criteria provided, single submitter. Criteria: Ambry Variant Classification Scheme 2023. Collection method: clinical testing. Allele origin: germline.
Comment: The p.G523V variant (also known as c.1568G>T), located in coding exon 17 of the MYBPC3 gene, results from a G to T substitution at nucleotide position 1568. The glycine at codon 523 is replaced by valine, an amino acid with dissimilar properties. This alteration has been reported in hypertrophic cardiomyopathy cohorts; however, clinical details were limited (Ho CY et al. Circulation, 2018 Oct;138:1387-1398; Mazzarotto F et al. Genet Med, 2019 Feb;21:284-292). This amino acid position is highly conserved in available vertebrate species. In addition, this alteration is predicted to be deleterious by in silico analysis. Since supporting evidence is limited at this time, the clinical significance of this alteration remains unclear.

Literature cited by the submitters: PubMed 29875424; PubMed 30297972.

NM_000256.3(MYBPC3):c.1568G>T (p.Gly523Val)

Gene: MYBPC3 (myosin binding protein C3; minus strand). Cytogenetic location: 11p11.2.
Variant type: single nucleotide variant.
Coding change: c.1568G>T on transcript NM_000256.3 (MANE Select); coding-DNA position 1568, G replaced by T.
Protein change: p.Gly523Val; replaces glycine 523 with valine.
Molecular consequence: missense variant.
Genome position (GRCh38, 1-based): chr11:47,342,634, C>A on the plus strand (G>T on the coding strand, the complement: MYBPC3 is on the minus strand). VCF-style: chr11-47342634-C-A. GRCh37 (hg19) VCF-style: chr11-47364185-C-A.
Other names: short protein forms G523V.
Identifiers: ClinVar variation 2448095 (VCV002448095.2), dbSNP rs2495762642, ClinGen allele CA380325086.